The following is an entry in ClinVar:

ClinVar aggregate classification (germline): Uncertain significance (1 of 4 stars; one submission).

Allele frequency attached by ClinVar (database versions not stated): gnomAD exomes below 0.00001; gnomAD 0.00001; TOPMed 0.00001.
gnomAD v4.1: 2 of 1,614,084 alleles (0.00012%); highest among the groups gnomAD compares: African/African-American, 0.0013%; no homozygotes.

Submission:

Labcorp Genetics (formerly Invitae), Labcorp
Classification: Uncertain significance. Last evaluated: 2022-03-23. Review status: criteria provided, single submitter. Criteria: Invitae Variant Classification Sherloc (09022015). Collection method: clinical testing. Allele origin: germline.
Comment: In summary, the available evidence is currently insufficient to determine the role of this variant in disease. Therefore, it has been classified as a Variant of Uncertain Significance. Algorithms developed to predict the effect of missense changes on protein structure and function are either unavailable or do not agree on the potential impact of this missense change (SIFT: "Deleterious"; PolyPhen-2: "Possibly Damaging"; Align-GVGD: "Class C0"). This variant has not been reported in the literature in individuals affected with PCARE-related conditions. This variant is not present in population databases (gnomAD no frequency). This sequence change replaces lysine, which is basic and polar, with asparagine, which is neutral and polar, at codon 364 of the PCARE protein (p.Lys364Asn).

NM_001029883.3(PCARE):c.1092G>C (p.Lys364Asn)

Gene: PCARE (photoreceptor cilium actin regulator; minus strand). Cytogenetic location: 2p23.2.
Variant type: single nucleotide variant.
Coding change: c.1092G>C on transcript NM_001029883.3 (MANE Select); coding-DNA position 1092, G replaced by C.
Protein change: p.Lys364Asn; replaces lysine 364 with asparagine.
Molecular consequence: missense variant.
Genome position (GRCh38, 1-based): chr2:29,073,170, C>G on the plus strand (G>C on the coding strand, the complement: PCARE is on the minus strand). VCF-style: chr2-29073170-C-G. GRCh37 (hg19) VCF-style: chr2-29296036-C-G.
Other names: short protein forms K364N.
Identifiers: ClinVar variation 1499690 (VCV001499690.6), dbSNP rs1202141583, ClinGen allele CA346480920.